The following is an entry in ClinVar:

ClinVar aggregate classification (germline): Uncertain significance (1 of 4 stars; one submission).

Conditions:
Alstrom syndrome (ALMS). Identifiers: Orphanet 64, MedGen C0268425, MONDO:0008763, OMIM 203800.

Submission:

Labcorp Genetics (formerly Invitae), Labcorp
Classification: Uncertain significance for Alstrom syndrome. Last evaluated: 2024-04-29. Review status: criteria provided, single submitter. Criteria: Invitae Variant Classification Sherloc (09022015). Collection method: clinical testing. Allele origin: germline.
Comment: This sequence change replaces alanine, which is neutral and non-polar, with glycine, which is neutral and non-polar, at codon 4019 of the ALMS1 protein (p.Ala4019Gly). This variant is not present in population databases (gnomAD no frequency). This variant has not been reported in the literature in individuals affected with ALMS1-related conditions. Algorithms developed to predict the effect of missense changes on protein structure and function output the following: SIFT: "Not Available"; PolyPhen-2: "Not Available"; Align-GVGD: "Not Available". The glycine amino acid residue is found in multiple mammalian species, which suggests that this missense change does not adversely affect protein function. In summary, the available evidence is currently insufficient to determine the role of this variant in disease. Therefore, it has been classified as a Variant of Uncertain Significance.

NM_001378454.1(ALMS1):c.12053C>G (p.Ala4018Gly)

Genes: ALMS1 (ALMS1 centrosome and basal body associated protein; plus strand), LOC126806252 (BRD4-independent group 4 enhancer GRCh37_chr2:73828496-73829695; plus strand). Cytogenetic location: 2p13.1.
Variant type: single nucleotide variant.
Coding change: c.12053C>G on transcript NM_001378454.1 (MANE Select); coding-DNA position 12053, C replaced by G.
Protein change: p.Ala4018Gly; replaces alanine 4018 with glycine.
Molecular consequence: missense variant.
Genome position (GRCh38, 1-based): chr2:73,601,375, C>G. VCF-style: chr2-73601375-C-G. GRCh37 (hg19) VCF-style: chr2-73828502-C-G.
Other names: c.12056C>G, p.Ala4019Gly (NM_015120.4); short protein forms A4018G, A4019G.
Identifiers: ClinVar variation 3666564 (VCV003666564.2).
Genomic context (GRCh38, chr2:73,601,375, plus strand): 5'-GGGAGCCACTGCGGGAGCAGAACTGTCAGGGGCAGCACCTGGACGGTCGGGGCTACCTGG[C>G]AGGCCCAGGCAGAGAGGCTGGCAGAGACCTACTGAGGCCATTTGTGAGAGCAACCCTTCA-3'
Protein context (NP_001365383.1, residues 4008-4028): GQHLDGRGYL[Ala4018Gly]GPGREAGRDL